The following is an entry in ClinVar:

NM_000255.4(MMUT):c.1271C>T (p.Pro424Leu)

Gene: MMUT (methylmalonyl-CoA mutase; minus strand). Cytogenetic location: 6p12.3.
Variant type: single nucleotide variant.
Coding change: c.1271C>T on transcript NM_000255.4 (MANE Select); coding-DNA position 1271, C replaced by T.
Protein change: p.Pro424Leu; replaces proline 424 with leucine.
Molecular consequence: missense variant.
Genome position (GRCh38, 1-based): chr6:49,451,527, G>A on the plus strand (C>T on the coding strand, the complement: MMUT is on the minus strand). VCF-style: chr6-49451527-G-A. GRCh37 (hg19) VCF-style: chr6-49419240-G-A.
Other names: short protein forms P424L.
Identifiers: ClinVar variation 222931 (VCV000222931.8), dbSNP rs879253842, ClinGen allele CA10575867.

ClinVar aggregate classification (germline): Pathogenic. Review status: criteria provided, multiple submitters, no conflicts (2 of 4 stars). 2 submissions from 2 submitters: Pathogenic (2). Last evaluated 2024-03-01.

Conditions:
Methylmalonic aciduria due to methylmalonyl-CoA mutase deficiency (MAMM). Also called: Methylmalonic aciduria, mut type. Identifiers: Orphanet 27, MedGen C1855114, MONDO:0009612, OMIM 251000.

Submissions (2):

Labcorp Genetics (formerly Invitae), Labcorp
Classification: Pathogenic. Last evaluated: 2024-03-01. Review status: criteria provided, single submitter. Criteria: Invitae Variant Classification Sherloc (09022015). Collection method: clinical testing. Allele origin: germline.
Comment: This sequence change replaces proline, which is neutral and non-polar, with leucine, which is neutral and non-polar, at codon 424 of the MUT protein (p.Pro424Leu). This variant is not present in population databases (gnomAD no frequency). This missense change has been observed in individual(s) with methylmalonic aciduria (PMID: 27167370; Invitae). ClinVar contains an entry for this variant (Variation ID: 222931). Advanced modeling of protein sequence and biophysical properties (such as structural, functional, and spatial information, amino acid conservation, physicochemical variation, residue mobility, and thermodynamic stability) performed at Invitae indicates that this missense variant is expected to disrupt MUT protein function with a positive predictive value of 95%. For these reasons, this variant has been classified as Pathogenic.

University Children's Hospital, University of Zurich
Classification: Pathogenic for Methylmalonic aciduria due to methylmalonyl-CoA mutase deficiency. Review status: criteria provided, single submitter. Criteria: Forny et al. (Hum Mutat. 2016). Collection method: clinical testing. Allele origin: germline. Inheritance: Autosomal recessive inheritance. Affected: yes.

Literature cited by the submitters: PubMed 27167370 (cited by Labcorp Genetics (formerly Invitae), Labcorp); PubMed 25736335 (cited by University Children's Hospital, University of Zurich).